The following is an entry in ClinVar:

NM_001105206.3(LAMA4):c.2849C>G (p.Pro950Arg)

Genes: LAMA4 (laminin subunit alpha 4; minus strand), LOC126859766 (MED14-independent group 3 enhancer GRCh37_chr6:112462018-112463217; plus strand). Cytogenetic location: 6q21.
Variant type: single nucleotide variant.
Coding change: c.2849C>G on transcript NM_001105206.3 (MANE Select); coding-DNA position 2849, C replaced by G.
Protein change: p.Pro950Arg; replaces proline 950 with arginine.
Molecular consequence: missense variant.
Genome position (GRCh38, 1-based): chr6:112,140,887, G>C on the plus strand (C>G on the coding strand, the complement: LAMA4 is on the minus strand). VCF-style: chr6-112140887-G-C. GRCh37 (hg19) VCF-style: chr6-112462089-G-C.
Other names: c.2828C>G, p.Pro943Arg (NM_001105207.3, NM_002290.5); short protein forms P950R, P943R.
Identifiers: ClinVar variation 4045946 (VCV004045946.1).
Genomic context (GRCh38, chr6:112,140,887, plus strand): 5'-TCATCTCCCGAAAATTCCCCCTTTTTAATGAACTTTTCCTCTGCTGTGCTACTTAGACTC[G>C]GGACTGTTAAAAACACCTTTCCATGTTTTCCCACCCTATTGAGATAAATAATTTTCACTT-3'
Protein context (NP_001098676.2, residues 940-960): GKHGKVFLTV[Pro950Arg]SLSSTAEEKF

ClinVar aggregate classification (germline): Uncertain significance (1 of 4 stars; one submission).

Conditions:
Cardiovascular phenotype. Identifiers: MedGen CN230736.

Submission:

Ambry Genetics
Classification: Uncertain significance for Cardiovascular phenotype. Last evaluated: 2025-04-20. Review status: criteria provided, single submitter. Criteria: Ambry Variant Classification Scheme 2023. Collection method: clinical testing. Allele origin: germline.
Comment: The p.P943R variant (also known as c.2828C>G), located in coding exon 21 of the LAMA4 gene, results from a C to G substitution at nucleotide position 2828. The proline at codon 943 is replaced by arginine, an amino acid with dissimilar properties. This amino acid position is conserved. In addition, the in silico prediction for this alteration is inconclusive. Based on the available evidence, the clinical significance of this variant remains unclear.